The following is an entry in ClinVar:

ClinVar aggregate classification (germline): Uncertain significance. Review status: criteria provided, multiple submitters, no conflicts (2 of 4 stars). 2 submissions from 2 submitters: Uncertain significance (2). Last evaluated 2024-06-19.

Conditions:
Hereditary cancer-predisposing syndrome. Also called: Hereditary Cancer Syndrome; Neoplastic Syndromes, Hereditary; Tumor predisposition; Hereditary neoplastic syndrome. Identifiers: Orphanet 140162, MedGen C0027672, MeSH D009386, MONDO:0015356.
Neurofibromatosis, type 1 (NF1). Also called: NEUROFIBROMATOSIS, TYPE I, SOMATIC; VON RECKLINGHAUSEN DISEASE; Peripheral type neurofibromatosis; Neurofibromatosis, type I. Identifiers: Orphanet 636, MedGen C0027831, MONDO:0018975, OMIM 162200. Disease mechanism: loss of function.

Submissions (2):

Labcorp Genetics (formerly Invitae), Labcorp
Classification: Uncertain significance for Neurofibromatosis, type 1. Last evaluated: 2024-06-19. Review status: criteria provided, single submitter. Criteria: Invitae Variant Classification Sherloc (09022015). Collection method: clinical testing. Allele origin: germline.
Comment: This sequence change replaces glycine, which is neutral and non-polar, with cysteine, which is neutral and slightly polar, at codon 1160 of the NF1 protein (p.Gly1160Cys). This variant is not present in population databases (gnomAD no frequency). This variant has not been reported in the literature in individuals affected with NF1-related conditions. ClinVar contains an entry for this variant (Variation ID: 186264). Advanced modeling of protein sequence and biophysical properties (such as structural, functional, and spatial information, amino acid conservation, physicochemical variation, residue mobility, and thermodynamic stability) performed at Invitae indicates that this missense variant is expected to disrupt NF1 protein function with a positive predictive value of 95%. This variant disrupts the p.Gly1160 amino acid residue in NF1. Other variant(s) that disrupt this residue have been determined to be pathogenic (Invitae). This suggests that this residue is clinically significant, and that variants that disrupt this residue are likely to be disease-causing. In summary, the available evidence is currently insufficient to determine the role of this variant in disease. Therefore, it has been classified as a Variant of Uncertain Significance.

Ambry Genetics
Classification: Uncertain significance for Hereditary cancer-predisposing syndrome. Last evaluated: 2014-10-06. Review status: criteria provided, single submitter. Criteria: Ambry Autosomal Dominant and X-Linked criteria (10/2015). Collection method: clinical testing. Allele origin: germline. Observed: 1 variant allele.
Comment: The p.G1160C variant (also known as c.3478G>T), located in coding exon 26 of the NF1 gene, results from a G to T substitution at nucleotide position 3478. The glycine at codon 1160 is replaced by cysteine, an amino acid with highly dissimilar properties. This variant was not reported in population based cohorts in the following databases: Database of Single Nucleotide Polymorphisms (dbSNP), NHLBI Exome Sequencing Project (ESP), and 1000 Genomes Project. In the ESP, this variant was not observed in 6503 samples (13006 alleles) with coverage at this position.<span data-redactor="verified" style="background-color: initial;">To date, this alteration has been detected with an allele frequency of approximately 0.01% (greater than 11000 alleles tested) in our clinical cohort (includes this individual).<span data-redactor="verified" style="background-color: initial;">This nucleotide position is highly conserved in available vertebrate species. This amino acid position is highly conserved in available vertebrate species. In addition, this alteration is predicted to be deleterious by in silico analysis.<span data-redactor="verified" style="background-color: initial;">Based on available evidence to date, the clinical significance of this variant remains unclear.

NM_001042492.3(NF1):c.3478G>T (p.Gly1160Cys)

Gene: NF1 (neurofibromin 1; plus strand). Cytogenetic location: 17q11.2.
Variant type: single nucleotide variant.
Coding change: c.3478G>T on transcript NM_001042492.3 (MANE Select); coding-DNA position 3478, G replaced by T.
Protein change: p.Gly1160Cys; replaces glycine 1160 with cysteine.
Molecular consequence: missense variant.
Genome position (GRCh38, 1-based): chr17:31,232,863, G>T. VCF-style: chr17-31232863-G-T. GRCh37 (hg19) VCF-style: chr17-29559881-G-T.
Other names: c.3478G>T, p.Gly1160Cys (NM_000267.4); short protein forms G1160C.
Identifiers: ClinVar variation 186264 (VCV000186264.5), dbSNP rs786202815, ClinGen allele CA194290.